The following is an entry in ClinVar:

ClinVar aggregate classification (germline): Uncertain significance (1 of 4 stars; one submission).

Conditions:
Ataxia-telangiectasia syndrome (AT). Also called: Cerebello-oculocutaneous telangiectasia; Immunodeficiency with ataxia telangiectasia; Ataxia telangiectasia (A-T); Ataxia-telangiectasia, complementation group E; LOUIS-BAR SYNDROME; Ataxia-telangiectasia. Identifiers: Orphanet 100, MedGen C0004135, MONDO:0008840, OMIM 208900.

Submission:

Labcorp Genetics (formerly Invitae), Labcorp
Classification: Uncertain significance for Ataxia-telangiectasia syndrome. Last evaluated: 2022-03-08. Review status: criteria provided, single submitter. Criteria: Invitae Variant Classification Sherloc (09022015). Collection method: clinical testing. Allele origin: germline.
Comment: In summary, the available evidence is currently insufficient to determine the role of this variant in disease. Therefore, it has been classified as a Variant of Uncertain Significance. Advanced modeling of protein sequence and biophysical properties (such as structural, functional, and spatial information, amino acid conservation, physicochemical variation, residue mobility, and thermodynamic stability) performed at Invitae indicates that this missense variant is not expected to disrupt ATM protein function. ClinVar contains an entry for this variant (Variation ID: 579884). This variant has not been reported in the literature in individuals affected with ATM-related conditions. This variant is not present in population databases (gnomAD no frequency). This sequence change replaces lysine, which is basic and polar, with glutamic acid, which is acidic and polar, at codon 1656 of the ATM protein (p.Lys1656Glu).

NM_000051.4(ATM):c.4966A>G (p.Lys1656Glu)

Gene: ATM (ATM serine/threonine kinase; plus strand). Cytogenetic location: 11q22.3.
Variant type: single nucleotide variant.
Coding change: c.4966A>G on transcript NM_000051.4 (MANE Select); coding-DNA position 4966, A replaced by G.
Protein change: p.Lys1656Glu; replaces lysine 1656 with glutamic acid.
Molecular consequence: missense variant.
Genome position (GRCh38, 1-based): chr11:108,297,343, A>G. VCF-style: chr11-108297343-A-G. GRCh37 (hg19) VCF-style: chr11-108168070-A-G.
Other names: c.4966A>G, p.Lys1656Glu (NM_001351834.2); short protein forms K1656E.
Identifiers: ClinVar variation 579884 (VCV000579884.9), dbSNP rs1565470010, ClinGen allele CA382538361.
Genomic context (GRCh38, chr11:108,297,343, plus strand): 5'-CTAGATAATCCGCAAGATGGGATTATGGTGAAACTAGTTGTCAATTTGTTGCAGTTATCC[A>G]AGATGGCAATAAACCACACTGGTGAAAAAGAAGTTCTAGGTAAACTACAGTCATGCGCTG-3'
Protein context (NP_000042.3, residues 1646-1666): KLVVNLLQLS[Lys1656Glu]MAINHTGEKE